The following is an entry in ClinVar:

ClinVar aggregate classification (germline): Likely benign. Review status: criteria provided, multiple submitters, no conflicts (2 of 4 stars). 3 submissions from 3 submitters: Likely benign (3). Last evaluated 2025-06-16.

Conditions:
DMXL2-related disorder. Also called: DMXL2-related condition.

Allele frequency attached by ClinVar (database versions not stated): ExAC 0.00001; gnomAD exomes 0.00002; TOPMed 0.00002; gnomAD 0.00003; ESP Exome Variant Server 0.00008.
gnomAD v4.1: 31 of 1,602,156 alleles (0.0019%); highest among the groups gnomAD compares: African/African-American, 0.0027%; no homozygotes.

Submissions (3):

PreventionGenetics, part of Exact Sciences
Classification: Likely benign for DMXL2-related condition. Last evaluated: 2025-06-16. Review status: criteria provided, single submitter. Criteria: ACMG Guidelines, 2015. Collection method: clinical testing. Allele origin: germline.
Comment: This variant is classified as likely benign based on ACMG/AMP sequence variant interpretation guidelines (Richards et al. 2015 PMID: 25741868, with internal and published modifications).

Labcorp Genetics (formerly Invitae), Labcorp
Classification: Likely benign. Last evaluated: 2025-03-30. Review status: criteria provided, single submitter. Criteria: Invitae Variant Classification Sherloc (09022015). Collection method: clinical testing. Allele origin: germline.

Blueprint Genetics
Classification: Likely benign. Last evaluated: 2023-08-21. Review status: criteria provided, single submitter. Criteria: ACMG Guidelines, 2015. Collection method: clinical testing. Allele origin: germline.

NM_001378457.1(DMXL2):c.4932G>A (p.Thr1644=)

Gene: DMXL2 (Dmx like 2; minus strand). Cytogenetic location: 15q21.2.
Variant type: single nucleotide variant.
Coding change: c.4932G>A on transcript NM_001378457.1 (MANE Select); coding-DNA position 4932, G replaced by A.
Protein change: p.Thr1644=; no amino-acid change (threonine 1644 retained).
Molecular consequence: synonymous variant. On other transcripts: non-coding transcript variant (2).
Genome position (GRCh38, 1-based): chr15:51,491,599, C>T on the plus strand (G>A on the coding strand, the complement: DMXL2 is on the minus strand). VCF-style: chr15-51491599-C-T. GRCh37 (hg19) VCF-style: chr15-51783796-C-T.
Other names: c.4932G>A, p.Thr1644= (NM_001174116.3, NM_001378458.1, NM_001378459.1 and 4 more transcripts); c.3024G>A, p.Thr1008= (NM_001174117.3); c.2913G>A, p.Thr971= (NM_001378460.1); c.4692G>A, p.Thr1564= (NM_001378464.1); c.4932G>A (NM_001174116.1).
Identifiers: ClinVar variation 2882717 (VCV002882717.5), dbSNP rs147852137, ClinGen allele CA7561922.
Genomic context (GRCh38, chr15:51,491,599, plus strand): 5'-TTTTTTAATATAACTCAAAATCCACTAAAGAAAAGTTACCTTTTCAATGCATCTTCGAAG[C>T]GTGTTAATGTTCCTCACCCACCATCCTATGCCCATAGCTCTTAATTCAGACCACTGGGGG-3'
Protein context (NP_001365386.1, residues 1634-1654): GIGWWVRNIN[Thr1644=]LRRCIEKVAK